The following is an entry in ClinVar:

NM_007294.4(BRCA1):c.213-8A>T

Gene: BRCA1 (BRCA1 DNA repair associated; minus strand). Cytogenetic location: 17q21.31.
Variant type: single nucleotide variant.
Coding change: c.213-8A>T on transcript NM_007294.4 (MANE Select); 8 bases into the intron before coding-DNA position 213, A replaced by T.
Molecular consequence: intron variant.
Genome position (GRCh38, 1-based): chr17:43,104,964, T>A on the plus strand (A>T on the coding strand, the complement: BRCA1 is on the minus strand). VCF-style: chr17-43104964-T-A. GRCh37 (hg19) VCF-style: chr17-41256981-T-A.
Other names: c.72-8A>T (NM_001408458.1, NM_001407931.1, NM_001407747.1 and 99 more transcripts); c.-218-10104A>T (NM_001407967.1, NM_001407966.1); c.-169-8A>T (NM_001407959.1, NM_001407962.1, NM_001408512.1 and 4 more transcripts); c.3-8A>T (NM_001407885.1, NM_001407886.1, NM_001407898.1 and 58 more transcripts); c.213-8A>T (NM_001407686.1, NM_001408397.1, NM_001407632.1 and 167 more transcripts); c.81-8A>T (NM_001408451.1); c.135-8A>T (NM_001408475.1, NM_001407875.1, NM_001407659.1 and 21 more transcripts).
Identifiers: ClinVar variation 865276 (VCV000865276.3), dbSNP rs80358159, ClinGen allele CA916080855.

Conditions:
Breast-ovarian cancer, familial, susceptibility to, 1 (BROVCA1). Also called: BRCA1 Hereditary Breast and Ovarian Cancer; OVARIAN CANCER, SUSCEPTIBILITY TO. Identifiers: Orphanet 145, MedGen C2676676, MONDO:0011450, OMIM 604370. Disease mechanism: loss of function.

Submission:

Brotman Baty Institute, University of Washington
No classification provided (evidence only). Condition: Breast-ovarian cancer, familial 1. Review status: no classification provided. Collection method: in vitro. Allele origin: not applicable. Functional consequence: functionally_normal.
ClinVar note: "not provided" was previously submitted as the classification for the variant. However, the classification appeared to be based only on an observation of functional data so it was converted to no classification on 2025-07-30.